The following is an entry in ClinVar:

ClinVar aggregate classification (germline): Uncertain significance (1 of 4 stars; one submission).

Conditions:
Rhabdoid tumor predisposition syndrome 2 (RTPS2). Identifiers: Orphanet 231108, Orphanet 69077, MedGen C2750074, MONDO:0013224, OMIM 613325.

Submission:

Labcorp Genetics (formerly Invitae), Labcorp
Classification: Uncertain significance for Rhabdoid tumor predisposition syndrome 2. Last evaluated: 2020-08-20. Review status: criteria provided, single submitter. Criteria: Invitae Variant Classification Sherloc (09022015). Collection method: clinical testing. Allele origin: germline.
Comment: This sequence change replaces lysine with arginine at codon 1636 of the SMARCA4 protein (p.Lys1636Arg). The lysine residue is highly conserved and there is a small physicochemical difference between lysine and arginine. This variant is not present in population databases (ExAC no frequency). This variant has not been reported in the literature in individuals with SMARCA4-related conditions. Algorithms developed to predict the effect of missense changes on protein structure and function are either unavailable or do not agree on the potential impact of this missense change (SIFT: "Deleterious"; PolyPhen-2: "Benign"; Align-GVGD: "Class C25"). In summary, the available evidence is currently insufficient to determine the role of this variant in disease. Therefore, it has been classified as a Variant of Uncertain Significance.

NM_003072.5(SMARCA4):c.4811A>G (p.Lys1604Arg)

Gene: SMARCA4 (SWI/SNF related BAF chromatin remodeling complex subunit ATPase 4; plus strand). Cytogenetic location: 19p13.2.
Variant type: single nucleotide variant.
Coding change: c.4811A>G on transcript NM_003072.5 (MANE Select); coding-DNA position 4811, A replaced by G.
Protein change: p.Lys1604Arg; replaces lysine 1604 with arginine.
Molecular consequence: missense variant. On other transcripts: non-coding transcript variant (1).
Genome position (GRCh38, 1-based): chr19:11,060,087, A>G. VCF-style: chr19-11060087-A-G. GRCh37 (hg19) VCF-style: chr19-11170763-A-G.
Other names: c.4811A>G, p.Lys1604Arg (NM_001128844.3); c.4721A>G, p.Lys1574Arg (NM_001128845.2); c.4718A>G, p.Lys1573Arg (NM_001128846.2); c.4712A>G, p.Lys1571Arg (NM_001128847.4, NM_001374457.1); c.4709A>G, p.Lys1570Arg (NM_001128848.2); c.4907A>G, p.Lys1636Arg (NM_001128849.3); short protein forms K1573R, K1574R, K1571R, K1604R, K1636R, K1570R.
Identifiers: ClinVar variation 948409 (VCV000948409.9), dbSNP rs2076775574, ClinGen allele CA404080459.
Genomic context (GRCh38, chr19:11,060,087, plus strand): 5'-CCTCCCGGTCCCCTCCAGCTCGGTCCGTCAAAGTGAAGATCAAGCTTGGCCGGAAGGAGA[A>G]GGCACAGGACCGGCTGAAGGGCGGCCGGCGGCGGCCGAGCCGAGGGTCCCGAGCCAAGCC-3'
Protein context (NP_003063.2, residues 1594-1614): KVKIKLGRKE[Lys1604Arg]AQDRLKGGRR